The following is an entry in ClinVar:

NM_145290.4(ADGRA3):c.3196A>G (p.Ser1066Gly)

Gene: ADGRA3 (adhesion G protein-coupled receptor A3; minus strand). Cytogenetic location: 4p15.2.
Variant type: single nucleotide variant.
Coding change: c.3196A>G on transcript NM_145290.4 (MANE Select); coding-DNA position 3196, A replaced by G.
Protein change: p.Ser1066Gly; replaces serine 1066 with glycine.
Molecular consequence: missense variant.
Genome position (GRCh38, 1-based): chr4:22,388,475, T>C on the plus strand (A>G on the coding strand, the complement: ADGRA3 is on the minus strand). VCF-style: chr4-22388475-T-C. GRCh37 (hg19) VCF-style: chr4-22390098-T-C.
Other names: short protein forms S1066G.
Identifiers: ClinVar variation 2105847 (VCV002105847.4), dbSNP rs2474687090, ClinGen allele CA356473453.

ClinVar aggregate classification (germline): Uncertain significance (1 of 4 stars; one submission).

Submission:

Labcorp Genetics (formerly Invitae), Labcorp
Classification: Uncertain significance. Last evaluated: 2022-03-04. Review status: criteria provided, single submitter. Criteria: Invitae Variant Classification Sherloc (09022015). Collection method: clinical testing. Allele origin: germline.
Comment: Algorithms developed to predict the effect of missense changes on protein structure and function output the following: SIFT: "Tolerated"; PolyPhen-2: "Benign"; Align-GVGD: "Class C0". The glycine amino acid residue is found in multiple mammalian species, which suggests that this missense change does not adversely affect protein function. In summary, the available evidence is currently insufficient to determine the role of this variant in disease. Therefore, it has been classified as a Variant of Uncertain Significance. This variant has not been reported in the literature in individuals affected with ADGRA3-related conditions. This variant is not present in population databases (gnomAD no frequency). This sequence change replaces serine, which is neutral and polar, with glycine, which is neutral and non-polar, at codon 1066 of the ADGRA3 protein (p.Ser1066Gly).